The following is an entry in ClinVar:

NM_000051.4(ATM):c.4981C>A (p.His1661Asn)

Gene: ATM (ATM serine/threonine kinase; plus strand). Cytogenetic location: 11q22.3.
Variant type: single nucleotide variant.
Coding change: c.4981C>A on transcript NM_000051.4 (MANE Select); coding-DNA position 4981, C replaced by A.
Protein change: p.His1661Asn; replaces histidine 1661 with asparagine.
Molecular consequence: missense variant.
Genome position (GRCh38, 1-based): chr11:108,297,358, C>A. VCF-style: chr11-108297358-C-A. GRCh37 (hg19) VCF-style: chr11-108168085-C-A.
Other names: c.4981C>A, p.His1661Asn (NM_001351834.2); short protein forms H1661N.
Identifiers: ClinVar variation 654468 (VCV000654468.13), dbSNP rs1591692950, ClinGen allele CA382538465.

ClinVar aggregate classification (germline): Uncertain significance. Review status: criteria provided, multiple submitters, no conflicts (2 of 4 stars). 2 submissions from 2 submitters: Uncertain significance (2). Last evaluated 2024-07-18.

Conditions:
Hereditary cancer-predisposing syndrome. Also called: Neoplastic Syndromes, Hereditary; Hereditary neoplastic syndrome; Hereditary Cancer Syndrome; Tumor predisposition. Identifiers: Orphanet 140162, MedGen C0027672, MeSH D009386, MONDO:0015356.
Ataxia-telangiectasia syndrome (AT). Also called: ATAXIA-TELANGIECTASIA, FRESNO VARIANT; Ataxia-telangiectasia, complementation group D; Cerebello-oculocutaneous telangiectasia; Immunodeficiency with ataxia telangiectasia; Ataxia-telangiectasia; Ataxia telangiectasia (A-T). Identifiers: Orphanet 100, MedGen C0004135, MONDO:0008840, OMIM 208900.

gnomAD v4.1: 1 of 1,613,936 alleles (0.000062%); no homozygotes.

Submissions (2):

Ambry Genetics
Classification: Uncertain significance for Hereditary cancer-predisposing syndrome. Last evaluated: 2024-07-18. Review status: criteria provided, single submitter. Criteria: Ambry Variant Classification Scheme 2023. Collection method: clinical testing. Allele origin: germline.
Comment: The p.H1661N variant (also known as c.4981C>A), located in coding exon 32 of the ATM gene, results from a C to A substitution at nucleotide position 4981. The histidine at codon 1661 is replaced by asparagine, an amino acid with similar properties. This amino acid position is well conserved in available vertebrate species. In addition, this alteration is predicted to be tolerated by in silico analysis. Based on the available evidence, the clinical significance of this variant remains unclear.

Labcorp Genetics (formerly Invitae), Labcorp
Classification: Uncertain significance for Ataxia-telangiectasia syndrome. Last evaluated: 2024-05-02. Review status: criteria provided, single submitter. Criteria: Invitae Variant Classification Sherloc (09022015). Collection method: clinical testing. Allele origin: germline.
Comment: This sequence change replaces histidine, which is basic and polar, with asparagine, which is neutral and polar, at codon 1661 of the ATM protein (p.His1661Asn). This variant is not present in population databases (gnomAD no frequency). This variant has not been reported in the literature in individuals affected with ATM-related conditions. ClinVar contains an entry for this variant (Variation ID: 654468). An algorithm developed to predict the effect of missense changes on protein structure and function (PolyPhen-2) suggests that this variant is likely to be tolerated. In summary, the available evidence is currently insufficient to determine the role of this variant in disease. Therefore, it has been classified as a Variant of Uncertain Significance.